The following is an entry in ClinVar:

ClinVar aggregate classification (germline): Uncertain significance. Review status: criteria provided, multiple submitters, no conflicts (2 of 4 stars). 2 submissions from 2 submitters: Uncertain significance (2). Last evaluated 2025-06-08.

Allele frequency attached by ClinVar (database versions not stated): TOPMed below 0.00001; gnomAD 0.00001; gnomAD exomes 0.00001.
gnomAD v4.1: 17 of 1,614,026 alleles (0.0011%); highest among the groups gnomAD compares: Non-Finnish European, 0.0014%; no homozygotes.

Submissions (2):

Ambry Genetics
Classification: Uncertain significance. Last evaluated: 2025-06-08. Review status: criteria provided, single submitter. Criteria: Ambry Variant Classification Scheme 2023. Collection method: clinical testing. Allele origin: germline.

Labcorp Genetics (formerly Invitae), Labcorp
Classification: Uncertain significance. Last evaluated: 2022-01-06. Review status: criteria provided, single submitter. Criteria: Invitae Variant Classification Sherloc (09022015). Collection method: clinical testing. Allele origin: germline.
Comment: In summary, the available evidence is currently insufficient to determine the role of this variant in disease. Therefore, it has been classified as a Variant of Uncertain Significance. Algorithms developed to predict the effect of missense changes on protein structure and function (SIFT, PolyPhen-2, Align-GVGD) all suggest that this variant is likely to be disruptive. ClinVar contains an entry for this variant (Variation ID: 1061783). This variant has not been reported in the literature in individuals affected with OPN1SW-related conditions. This variant is not present in population databases (gnomAD no frequency). This sequence change replaces threonine, which is neutral and polar, with proline, which is neutral and non-polar, at codon 157 of the OPN1SW protein (p.Thr157Pro).

NM_001385125.1(OPN1SW):c.460A>C (p.Thr154Pro)

Gene: OPN1SW (opsin 1, short wave sensitive; minus strand). Cytogenetic location: 7q32.1.
Variant type: single nucleotide variant.
Coding change: c.460A>C on transcript NM_001385125.1 (MANE Select); coding-DNA position 460, A replaced by C.
Protein change: p.Thr154Pro; replaces threonine 154 with proline.
Molecular consequence: missense variant.
Genome position (GRCh38, 1-based): chr7:128,775,038, T>G on the plus strand (A>C on the coding strand, the complement: OPN1SW is on the minus strand). VCF-style: chr7-128775038-T-G. GRCh37 (hg19) VCF-style: chr7-128415092-T-G.
Other names: NM_001708.2:c.469A>C; short protein forms T154P.
Identifiers: ClinVar variation 1061783 (VCV001061783.10), dbSNP rs1801729764, ClinGen allele CA369220344.